The following is an entry in ClinVar:

ClinVar aggregate classification (germline): Uncertain significance (1 of 4 stars; one submission).

Conditions:
Mucopolysaccharidosis, MPS-III-B (MPS3B). Also called: MPS IIIB (Sanfilippo Syndrome Type B); MUCOPOLYSACCHARIDOSIS, TYPE IIIB; Mucopolysaccharidosis type IIIB (Sanfilippo B); N-ACETYL-ALPHA-D-GLUCOSAMINIDASE DEFICIENCY; NAGLU DEFICIENCY; SANFILIPPO SYNDROME B. Identifiers: Orphanet 79270, MedGen C0086648, MONDO:0009656, OMIM 252920.

Allele frequency attached by ClinVar (database versions not stated): gnomAD exomes 0.00001; TOPMed 0.00001.

Submission:

Baylor Genetics
Classification: Uncertain significance for Mucopolysaccharidosis, MPS-III-B. Last evaluated: 2019-08-17. Review status: criteria provided, single submitter. Criteria: ACMG Guidelines, 2015. Collection method: clinical testing. Allele origin: unknown. Affected: yes.
Comment: This variant was determined to be of uncertain significance according to ACMG Guidelines, 2015 [PMID:25741868].

NM_000263.4(NAGLU):c.14C>T (p.Ala5Val)

Genes: NAGLU (N-acetyl-alpha-glucosaminidase; plus strand), LOC130060903 (ATAC-STARR-seq lymphoblastoid silent region 8533; plus strand). Cytogenetic location: 17q21.2.
Variant type: single nucleotide variant.
Coding change: c.14C>T on transcript NM_000263.4 (MANE Select); coding-DNA position 14, C replaced by T.
Protein change: p.Ala5Val; replaces alanine 5 with valine.
Molecular consequence: missense variant.
Genome position (GRCh38, 1-based): chr17:42,536,286, C>T. VCF-style: chr17-42536286-C-T. GRCh37 (hg19) VCF-style: chr17-40688304-C-T.
Other names: short protein forms A5V.
Identifiers: ClinVar variation 1029749 (VCV001029749.1), dbSNP rs2092905670, ClinGen allele CA399594911.